The following is an entry in ClinVar:

ClinVar aggregate classification (germline): Likely benign. Review status: criteria provided, multiple submitters, no conflicts (2 of 4 stars). 3 submissions from 3 submitters: Likely benign (3). Last evaluated 2025-10-01.

Conditions:
NPHP1-related disorder. Also called: NPHP1-related condition; NPHP1-related disorders.
Nephronophthisis. Also called: Juvenile Nephronophthisis. Identifiers: Orphanet 655, MedGen C0687120, MONDO:0019005, HP:0000090.

Allele frequency attached by ClinVar (database versions not stated): gnomAD 0.00004 and 0.00010; gnomAD exomes 0.00004 and 0.00016; TOPMed 0.00008; ExAC 0.00016; 1000 Genomes Project 0.00100; 1000 Genomes Project 30x 0.00125.

Submissions (3):

Labcorp Genetics (formerly Invitae), Labcorp
Classification: Likely benign for Nephronophthisis. Last evaluated: 2025-10-01. Review status: criteria provided, single submitter. Criteria: Invitae Variant Classification Sherloc (09022015). Collection method: clinical testing. Allele origin: germline.

PreventionGenetics, part of Exact Sciences
Classification: Likely benign for NPHP1-related condition. Last evaluated: 2025-04-22. Review status: criteria provided, single submitter. Criteria: ACMG Guidelines, 2015. Collection method: clinical testing. Allele origin: germline.
Comment: This variant is classified as likely benign based on ACMG/AMP sequence variant interpretation guidelines (Richards et al. 2015 PMID: 25741868, with internal and published modifications).

Blueprint Genetics
Classification: Likely benign. Last evaluated: 2024-04-15. Review status: criteria provided, single submitter. Criteria: ACMG Guidelines, 2015. Collection method: clinical testing. Allele origin: germline.

NM_001128178.3(NPHP1):c.800C>T (p.Thr267Met)

Gene: NPHP1 (nephrocystin 1; minus strand). Cytogenetic location: 2q13.
Variant type: single nucleotide variant.
Coding change: c.800C>T on transcript NM_001128178.3 (MANE Select); coding-DNA position 800, C replaced by T.
Protein change: p.Thr267Met; replaces threonine 267 with methionine.
Molecular consequence: missense variant.
Genome position (GRCh38, 1-based): chr2:110,163,107, G>A on the plus strand (C>T on the coding strand, the complement: NPHP1 is on the minus strand). VCF-style: chr2-110163107-G-A. GRCh37 (hg19) VCF-style: chr2-110920684-G-A.
Other names: c.968C>T (NM_000272.3); c.968C>T, p.Thr323Met (NM_000272.5); c.611C>T, p.Thr204Met (NM_001128179.3); c.797C>T, p.Thr266Met (NM_001374256.1); c.800C>T, p.Thr267Met (NM_001374257.1); c.965C>T, p.Thr322Met (NM_207181.4); short protein forms T204M, T266M, T267M, T322M, T323M.
Identifiers: ClinVar variation 1564712 (VCV001564712.11), dbSNP rs141907218, ClinGen allele CA1827220.
Genomic context (GRCh38, chr2:110,163,107, plus strand): 5'-CCTTCCTCCAGAAGCTGTGAGAGCGTGGAAGGCCTGAACCCTGCAGGAATAGCTCCCATC[G>A]TAGTTAACACATCAACAGTGTTTATCTGCTGAAGACAGTAACATCAAAATGGATTTGTTT-3'
Protein context (NP_001121650.1, residues 257-277): EQINTVDVLT[Thr267Met]MGAIPAGFRP